The following is an entry in ClinVar:

NM_201525.4(ADGRG1):c.1612C>T (p.Pro538Ser)

Gene: ADGRG1 (adhesion G protein-coupled receptor G1; plus strand). Cytogenetic location: 16q21.
Variant type: single nucleotide variant.
Coding change: c.1612C>T on transcript NM_201525.4 (MANE Select); coding-DNA position 1612, C replaced by T.
Protein change: p.Pro538Ser; replaces proline 538 with serine.
Molecular consequence: missense variant.
Genome position (GRCh38, 1-based): chr16:57,660,824, C>T. VCF-style: chr16-57660824-C-T. GRCh37 (hg19) VCF-style: chr16-57694736-C-T.
Other names: c.1612C>T, p.Pro538Ser (NM_001145770.3, NM_001145772.3, NM_001145774.3 and 7 more transcripts); c.1630C>T, p.Pro544Ser (NM_001145771.3, NM_001370428.1, NM_001370429.1 and 4 more transcripts); c.1627C>T, p.Pro543Ser (NM_001145773.3, NM_001370433.1, NM_001370434.1); c.1120C>T, p.Pro374Ser (NM_001290142.2); c.1105C>T, p.Pro369Ser (NM_001290143.2); c.1087C>T, p.Pro363Ser (NM_001290144.2, NM_001370451.1, NM_001370453.1 and 1 more transcripts); c.1609C>T, p.Pro537Ser (NM_001370441.1); c.1456C>T, p.Pro486Ser (NM_001370442.1); and 1 more; short protein forms P543S, P369S, P486S, P363S, P374S, P538S, P544S, P537S.
Identifiers: ClinVar variation 1986907 (VCV001986907.5), dbSNP rs1405698509, ClinGen allele CA396051774.
Genomic context (GRCh38, chr16:57,660,824, plus strand): 5'-TCAGGCTTCCCCATCTTTCTGGTGACGCTGGTGGCCCTGGTGGATGTGGACAACTATGGC[C>T]CCATCATCTTGGCTGTGCATAGGACTCCAGAGGGCGTCATCTACCCTTCCATGTGAGTGG-3'
Protein context (NP_958933.1, residues 528-548): VALVDVDNYG[Pro538Ser]IILAVHRTPE

ClinVar aggregate classification (germline): Uncertain significance. Review status: criteria provided, multiple submitters, no conflicts (2 of 4 stars). 2 submissions from 2 submitters: Uncertain significance (2). Last evaluated 2024-07-09.

Conditions:
Inborn genetic diseases. Identifiers: MedGen C0950123, MeSH D030342.

Allele frequency attached by ClinVar (database versions not stated): gnomAD exomes below 0.00001; gnomAD 0.00001; TOPMed 0.00001.

Submissions (2):

Ambry Genetics
Classification: Uncertain significance for Inborn genetic diseases. Last evaluated: 2024-07-09. Review status: criteria provided, single submitter. Criteria: Ambry Variant Classification Scheme 2023. Collection method: clinical testing. Allele origin: germline.

Labcorp Genetics (formerly Invitae), Labcorp
Classification: Uncertain significance. Last evaluated: 2024-01-22. Review status: criteria provided, single submitter. Criteria: Invitae Variant Classification Sherloc (09022015). Collection method: clinical testing. Allele origin: germline.
Comment: This sequence change replaces proline, which is neutral and non-polar, with serine, which is neutral and polar, at codon 544 of the ADGRG1 protein (p.Pro544Ser). This variant is present in population databases (no rsID available, gnomAD 0.007%). This variant has not been reported in the literature in individuals affected with ADGRG1-related conditions. ClinVar contains an entry for this variant (Variation ID: 1986907). Advanced modeling of protein sequence and biophysical properties (such as structural, functional, and spatial information, amino acid conservation, physicochemical variation, residue mobility, and thermodynamic stability) performed at Invitae indicates that this missense variant is not expected to disrupt ADGRG1 protein function with a negative predictive value of 95%. In summary, the available evidence is currently insufficient to determine the role of this variant in disease. Therefore, it has been classified as a Variant of Uncertain Significance.